The following is an entry in ClinVar:

NM_002485.5(NBN):c.2206G>C (p.Glu736Gln)

Gene: NBN (nibrin; minus strand). Cytogenetic location: 8q21.3.
Variant type: single nucleotide variant.
Coding change: c.2206G>C on transcript NM_002485.5 (MANE Select); coding-DNA position 2206, G replaced by C.
Protein change: p.Glu736Gln; replaces glutamic acid 736 with glutamine.
Molecular consequence: missense variant.
Genome position (GRCh38, 1-based): chr8:89,937,054, C>G on the plus strand (G>C on the coding strand, the complement: NBN is on the minus strand). VCF-style: chr8-89937054-C-G. GRCh37 (hg19) VCF-style: chr8-90949282-C-G.
Other names: c.1960G>C, p.Glu654Gln (NM_001024688.3); short protein forms E654Q, E736Q.
Identifiers: ClinVar variation 919575 (VCV000919575.12), dbSNP rs756831345, ClinGen allele CA371674795.

ClinVar aggregate classification (germline): Uncertain significance. Review status: criteria provided, multiple submitters, no conflicts (2 of 4 stars). 3 submissions from 3 submitters: Uncertain significance (3). Last evaluated 2025-07-31.

Conditions:
Hereditary cancer-predisposing syndrome. Also called: Hereditary Cancer Syndrome; Hereditary neoplastic syndrome; Neoplastic Syndromes, Hereditary; Tumor predisposition. Identifiers: Orphanet 140162, MedGen C0027672, MeSH D009386, MONDO:0015356.
Microcephaly, normal intelligence and immunodeficiency (NBS). Also called: Ataxia telangiectasia variant V1; IMMUNODEFICIENCY, MICROCEPHALY, AND CHROMOSOMAL INSTABILITY; SEEMANOVA SYNDROME II; Nijmegen breakage syndrome; Microcephaly with normal intelligence immunodeficiency and lymphoreticular malignancies; Nonsyndromal microcephaly autosomal recessive with normal intelligence. Identifiers: Orphanet 647, MedGen C0398791, MONDO:0009623, OMIM 251260.

Submissions (3):

Ambry Genetics
Classification: Uncertain significance for Hereditary cancer-predisposing syndrome. Last evaluated: 2025-07-31. Review status: criteria provided, single submitter. Criteria: Ambry Variant Classification Scheme 2023. Collection method: clinical testing. Allele origin: germline.
Comment: The p.E736Q variant (also known as c.2206G>C), located in coding exon 15 of the NBN gene, results from a G to C substitution at nucleotide position 2206. The glutamic acid at codon 736 is replaced by glutamine, an amino acid with highly similar properties. This amino acid position is highly conserved in available vertebrate species. In addition, this alteration is predicted to be tolerated by in silico analysis. Since supporting evidence is limited at this time, the clinical significance of this alteration remains unclear.

Genome-Nilou Lab
Classification: Uncertain significance for Microcephaly, normal intelligence and immunodeficiency. Last evaluated: 2021-11-07. Review status: criteria provided, single submitter. Criteria: ACMG Guidelines, 2015. Collection method: clinical testing. Allele origin: germline. Affected: no.

Labcorp Genetics (formerly Invitae), Labcorp
Classification: Uncertain significance for Microcephaly, normal intelligence and immunodeficiency. Last evaluated: 2021-09-02. Review status: criteria provided, single submitter. Criteria: Invitae Variant Classification Sherloc (09022015). Collection method: clinical testing. Allele origin: germline.
Comment: This sequence change replaces glutamic acid with glutamine at codon 736 of the NBN protein (p.Glu736Gln). The glutamic acid residue is moderately conserved and there is a small physicochemical difference between glutamic acid and glutamine. This variant is not present in population databases (ExAC no frequency). This variant has not been reported in the literature in individuals affected with NBN-related conditions. Algorithms developed to predict the effect of missense changes on protein structure and function are either unavailable or do not agree on the potential impact of this missense change (SIFT: "Deleterious"; PolyPhen-2: "Probably Damaging"; Align-GVGD: "Class C0"). In summary, the available evidence is currently insufficient to determine the role of this variant in disease. Therefore, it has been classified as a Variant of Uncertain Significance.